The following is an entry in ClinVar:

NM_018230.3(NUP133):c.2170GTG[1] (p.Val725del)

Gene: NUP133 (nucleoporin 133; minus strand). Cytogenetic location: 1q42.13.
Variant type: Microsatellite.
Coding change: c.2170GTG[1] on transcript NM_018230.3 (MANE Select); one copy of the 3-base unit GTG starting at c.2170; the reference has two copies in a row; one copy, 3 bases deleted.
Protein change: p.Val725del; deletes valine 725.
Molecular consequence: inframe deletion.
Genome position (GRCh38, 1-based): chr1:229,466,658-229,466,660, CAC deleted on the plus strand (GTG on the coding strand, the reverse complement: NUP133 is on the minus strand); deleting any 3 consecutive bases within chr1:229,466,658-229,466,663 gives the same sequence; the position shown is the placement nearest the transcript's 3' end. VCF-style (leftmost placement, unchanged base first): chr1-229466657-TCAC-T. GRCh37 (hg19) VCF-style: chr1-229602404-TCAC-T.
Other names: short protein forms V725del.
Identifiers: ClinVar variation 3612482 (VCV003612482.2).
Genomic context (GRCh38, chr1:229,466,657, plus strand): 5'-GCTTTGATTTGCTGAAGCCTTTACTATATTTTTGTACCTTGAGAATATTGTTCACATTGA[TCAC>T]CACTTCAGCCCATTCAATGGAATCCATAGGTGCATCCCTCAAGACTTGCTCCTCATGCTC-3'

ClinVar aggregate classification (germline): Uncertain significance (1 of 4 stars; one submission).

Submission:

Labcorp Genetics (formerly Invitae), Labcorp
Classification: Uncertain significance. Last evaluated: 2024-09-18. Review status: criteria provided, single submitter. Criteria: Invitae Variant Classification Sherloc (09022015). Collection method: clinical testing. Allele origin: germline.
Comment: This variant, c.2173_2175del, results in the deletion of 1 amino acid(s) of the NUP133 protein (p.Val725del), but otherwise preserves the integrity of the reading frame. This variant is present in population databases (no rsID available, gnomAD 0.006%). This variant has not been reported in the literature in individuals affected with NUP133-related conditions. Experimental studies and prediction algorithms are not available or were not evaluated, and the functional significance of this variant is currently unknown. In summary, the available evidence is currently insufficient to determine the role of this variant in disease. Therefore, it has been classified as a Variant of Uncertain Significance.